The following is an entry in ClinVar:

ClinVar aggregate classification (germline): Uncertain significance (1 of 4 stars; one submission).

Allele frequency attached by ClinVar (database versions not stated): gnomAD exomes below 0.00001.
gnomAD v4.1: 1 of 1,614,210 alleles (0.000062%); highest among the groups gnomAD compares: Non-Finnish European, 0.000085%; no homozygotes.

Submission:

Labcorp Genetics (formerly Invitae), Labcorp
Classification: Uncertain significance. Last evaluated: 2022-09-20. Review status: criteria provided, single submitter. Criteria: Invitae Variant Classification Sherloc (09022015). Collection method: clinical testing. Allele origin: germline.
Comment: This variant has not been reported in the literature in individuals affected with MYH9-related conditions. This variant is not present in population databases (gnomAD no frequency). This sequence change replaces glutamic acid, which is acidic and polar, with lysine, which is basic and polar, at codon 136 of the MYH9 protein (p.Glu136Lys). Advanced modeling of protein sequence and biophysical properties (such as structural, functional, and spatial information, amino acid conservation, physicochemical variation, residue mobility, and thermodynamic stability) performed at Invitae indicates that this missense variant is not expected to disrupt MYH9 protein function. In summary, the available evidence is currently insufficient to determine the role of this variant in disease. Therefore, it has been classified as a Variant of Uncertain Significance.

NM_002473.6(MYH9):c.406G>A (p.Glu136Lys)

Gene: MYH9 (myosin heavy chain 9; minus strand). Cytogenetic location: 22q12.3.
Variant type: single nucleotide variant.
Coding change: c.406G>A on transcript NM_002473.6 (MANE Select); coding-DNA position 406, G replaced by A.
Protein change: p.Glu136Lys; replaces glutamic acid 136 with lysine.
Molecular consequence: missense variant.
Genome position (GRCh38, 1-based): chr22:36,341,454, C>T on the plus strand (G>A on the coding strand, the complement: MYH9 is on the minus strand). VCF-style: chr22-36341454-C-T. GRCh37 (hg19) VCF-style: chr22-36737499-C-T.
Other names: short protein forms E136K.
Identifiers: ClinVar variation 1947087 (VCV001947087.5), dbSNP rs2518014337, ClinGen allele CA411548843.